The following is an entry in ClinVar:

ClinVar aggregate classification (germline): Pathogenic/Likely pathogenic. Review status: criteria provided, multiple submitters, no conflicts (2 of 4 stars). 2 submissions from 2 submitters: Pathogenic (1); Likely pathogenic (1). Last evaluated 2025-11-07.

Conditions:
Hereditary cancer-predisposing syndrome. Also called: Neoplastic Syndromes, Hereditary; Hereditary Cancer Syndrome; Hereditary neoplastic syndrome; Tumor predisposition. Identifiers: Orphanet 140162, MedGen C0027672, MeSH D009386, MONDO:0015356.
Gorlin syndrome. Also called: Basal cell nevus syndrome; Nevoid Basal Cell Carcinoma Syndrome. Identifiers: Orphanet 377, MedGen C0004779, MONDO:0007187.

Submissions (2):

Ambry Genetics
Classification: Pathogenic for Hereditary cancer-predisposing syndrome. Last evaluated: 2025-11-07. Review status: criteria provided, single submitter. Criteria: Ambry Variant Classification Scheme 2023. Collection method: clinical testing. Allele origin: germline.
Comment: The c.584+1G>A intronic pathogenic mutation results from a G to A substitution one nucleotide after coding exon 3 of the PTCH1 gene. This nucleotide position is highly conserved in available vertebrate species. This variant was reported in individual(s) with features consistent with nevoid basal cell carcinoma syndrome (Ambry internal data; Guo YY et al. PLoS One, 2013 Oct;8:e77305). In silico splice site analysis predicts that this alteration will weaken the native splice donor site and will result in the creation or strengthening of a novel splice donor site. RNA studies have demonstrated that this alteration results in abnormal splicing in the set of samples tested (Ambry internal data). This variant is considered to be rare based on population cohorts in the Genome Aggregation Database (gnomAD). Based on the supporting evidence, this variant is interpreted as a disease-causing mutation.

Labcorp Genetics (formerly Invitae), Labcorp
Classification: Likely pathogenic for Gorlin syndrome. Last evaluated: 2024-06-04. Review status: criteria provided, single submitter. Criteria: Invitae Variant Classification Sherloc (09022015). Collection method: clinical testing. Allele origin: germline.
Comment: This sequence change affects a donor splice site in intron 3 of the PTCH1 gene. It is expected to disrupt RNA splicing. Variants that disrupt the donor or acceptor splice site typically lead to a loss of protein function (PMID: 16199547), and loss-of-function variants in PTCH1 are known to be pathogenic (PMID: 16301862, 16419085). This variant is not present in population databases (gnomAD no frequency). Disruption of this splice site has been observed in individual(s) with basal cell nevus syndrome (PMID: 24204797; Invitae). Algorithms developed to predict the effect of sequence changes on RNA splicing suggest that this variant may disrupt the consensus splice site. In summary, the currently available evidence indicates that the variant is pathogenic, but additional data are needed to prove that conclusively. Therefore, this variant has been classified as Likely Pathogenic.

Literature cited by the submitters: PubMed 24204797 (cited by Ambry Genetics and Labcorp Genetics (formerly Invitae), Labcorp); PubMed 16199547 (cited by Labcorp Genetics (formerly Invitae), Labcorp); PubMed 16301862 (cited by Labcorp Genetics (formerly Invitae), Labcorp); PubMed 16419085 (cited by Labcorp Genetics (formerly Invitae), Labcorp).

NM_000264.5(PTCH1):c.584+1G>A

Gene: PTCH1 (patched 1; minus strand). Cytogenetic location: 9q22.32.
Variant type: single nucleotide variant.
Coding change: c.584+1G>A on transcript NM_000264.5 (MANE Select); the canonical splice donor site of the intron after coding-DNA position 584, G replaced by A.
Molecular consequence: splice donor variant.
Genome position (GRCh38, 1-based): chr9:95,485,684, C>T on the plus strand (G>A on the coding strand, the complement: PTCH1 is on the minus strand). VCF-style: chr9-95485684-C-T. GRCh37 (hg19) VCF-style: chr9-98247966-C-T.
Other names: c.584+1G>A (NM_000264.3, NM_001354918.2); c.581+1G>A (NM_001083603.3); c.386+1G>A (NM_001083602.3, NM_001354919.2); c.131+1G>A (NM_001083605.3, NM_001083604.3, NM_001083606.3 and 1 more transcripts).
Identifiers: ClinVar variation 3720888 (VCV003720888.3).
Genomic context (GRCh38, chr9:95,485,684, plus strand): 5'-AGCAGCCTTCTCCCACCGCCTTACCTGCTGCTCATTAGTAGGTGGACGCGGCGGGCCTTA[C>T]CTGTTGTACATGTATACATGGACACGGCTGGCCTGGAGTGCCGAGTCCAGGTGTTGTAGG-3'